The following is an entry in ClinVar:

NM_020066.5(FMN2):c.2928T>C (p.Pro976=)

Gene: FMN2 (formin 2; plus strand). Cytogenetic location: 1q43.
Variant type: single nucleotide variant.
Coding change: c.2928T>C on transcript NM_020066.5 (MANE Select); coding-DNA position 2928, T replaced by C.
Protein change: p.Pro976=; no amino-acid change (proline 976 retained).
Molecular consequence: synonymous variant. On other transcripts: intron variant (1).
Genome position (GRCh38, 1-based): chr1:240,207,740, T>C. VCF-style: chr1-240207740-T-C. GRCh37 (hg19) VCF-style: chr1-240371040-T-C.
Other names: c.2928T>C (NM_020066.4); c.2940T>C, p.Pro980= (NM_001305424.2); c.1986+19478T>C (NM_001348094.2).
Identifiers: ClinVar variation 1675410 (VCV001675410.35), dbSNP rs200418654, ClinGen allele CA1476894.

ClinVar aggregate classification (germline): Likely benign. Review status: criteria provided, multiple submitters, no conflicts (2 of 4 stars). 4 submissions from 4 submitters: Likely benign (4). Last evaluated 2026-09-01.

Conditions:
FMN2-related disorder. Also called: FMN2-related condition.

Allele frequency attached by ClinVar (database versions not stated): gnomAD exomes 0.00124; ExAC 0.00267.

Submissions (4):

CeGaT Center for Human Genetics Tuebingen
Classification: Likely benign. Last evaluated: 2026-09-01. Review status: criteria provided, single submitter. Criteria: CeGaT Center For Human Genetics Tuebingen Variant Classification Criteria Version 2. Collection method: clinical testing. Allele origin: germline. Affected: yes. Observed: 19 variant alleles.
Comment: FMN2: BP4, BP7

Blueprint Genetics
Classification: Likely benign. Last evaluated: 2024-11-21. Review status: criteria provided, single submitter. Criteria: ACMG Guidelines, 2015. Collection method: clinical testing. Allele origin: germline.

PreventionGenetics, part of Exact Sciences
Classification: Likely benign for FMN2-related condition. Last evaluated: 2021-04-29. Review status: criteria provided, single submitter. Criteria: ACMG Guidelines, 2015. Collection method: clinical testing. Allele origin: germline.
Comment: This variant is classified as likely benign based on ACMG/AMP sequence variant interpretation guidelines (Richards et al. 2015 PMID: 25741868, with internal and published modifications).

Breakthrough Genomics
Classification: Likely benign. Review status: criteria provided, single submitter. Criteria: ACMG Guidelines, 2015. Collection method: not provided. Allele origin: germline. Inheritance: Autosomal recessive inheritance. Affected: yes.